The following is an entry in ClinVar:

ClinVar aggregate classification (germline): Likely benign. Review status: criteria provided, multiple submitters, no conflicts (2 of 4 stars). 4 submissions from 4 submitters: Likely benign (3). 1 of the submissions does not count toward it. Last evaluated 2025-11-10.

Conditions:
EYS-related disorder. Also called: EYS-related condition.
Retinal dystrophy. Also called: Inherited retinal dystrophy. Identifiers: Orphanet 71862, MedGen C0854723, MeSH D058499, MONDO:0019118, HP:0000556.

Allele frequency attached by ClinVar (database versions not stated): TOPMed 0.00001.
gnomAD v4.1: 11 of 1,551,318 alleles (0.00071%); highest among the groups gnomAD compares: East Asian, 0.027%; no homozygotes.

Submissions (4):

Labcorp Genetics (formerly Invitae), Labcorp
Classification: Likely benign. Last evaluated: 2025-11-10. Review status: criteria provided, single submitter. Criteria: Invitae Variant Classification Sherloc (09022015). Collection method: clinical testing. Allele origin: germline.

Dept Of Ophthalmology, Nagoya University
Classification: Likely benign for Retinal dystrophy. Last evaluated: 2023-10-01. Review status: criteria provided, single submitter. Criteria: Submitter's publication. Collection method: research. Allele origin: germline. Affected: yes.

Blueprint Genetics
Classification: Likely benign. Last evaluated: 2021-03-29. Review status: criteria provided, single submitter. Criteria: ACMG Guidelines, 2015. Collection method: clinical testing. Allele origin: germline.

PreventionGenetics, part of Exact Sciences
Classification: Likely benign for EYS-related condition. Last evaluated: 2019-06-21. Review status: no assertion criteria provided. Collection method: clinical testing. Allele origin: germline. Not counted in ClinVar's aggregate classification.
Comment: This variant is classified as likely benign based on ACMG/AMP sequence variant interpretation guidelines (Richards et al. 2015 PMID: 25741868, with internal and published modifications).

NM_001142800.2(EYS):c.4455A>G (p.Arg1485=)

Gene: EYS (EGF-like photoreceptor maintenance factor; minus strand). Cytogenetic location: 6q12.
Variant type: single nucleotide variant.
Coding change: c.4455A>G on transcript NM_001142800.2 (MANE Select); coding-DNA position 4455, A replaced by G.
Protein change: p.Arg1485=; no amino-acid change (arginine 1485 retained).
Molecular consequence: synonymous variant.
Genome position (GRCh38, 1-based): chr6:64,591,412, T>C on the plus strand (A>G on the coding strand, the complement: EYS is on the minus strand). VCF-style: chr6-64591412-T-C. GRCh37 (hg19) VCF-style: chr6-65301305-T-C.
Other names: c.4455A>G, p.Arg1485= (NM_001292009.2); c.4455A>G (NM_001142800.1).
Identifiers: ClinVar variation 1116807 (VCV001116807.13), dbSNP rs755759273, ClinGen allele CA3877081.